The following is an entry in ClinVar:

NM_018063.5(HELLS):c.1488+6G>A

Gene: HELLS (helicase, lymphoid specific; plus strand). Cytogenetic location: 10q23.33.
Variant type: single nucleotide variant.
Coding change: c.1488+6G>A on transcript NM_018063.5 (MANE Select); 6 bases into the intron after coding-DNA position 1488, G replaced by A.
Molecular consequence: intron variant.
Genome position (GRCh38, 1-based): chr10:94,588,396, G>A. VCF-style: chr10-94588396-G-A. GRCh37 (hg19) VCF-style: chr10-96348153-G-A.
Other names: c.1116+6G>A (NM_001289071.2); c.1626+6G>A (NM_001289067.2); c.270+6G>A (NM_001289075.2); c.1194+6G>A (NM_001289070.2); c.405+6G>A (NM_001289074.2); c.1392+6G>A (NM_001289069.2); c.1098+6G>A (NM_001289072.2); c.1074+6G>A (NM_001289073.2); and 1 more.
Identifiers: ClinVar variation 708084 (VCV000708084.13), dbSNP rs142213941, ClinGen allele CA5615502.

ClinVar aggregate classification (germline): Benign. Review status: criteria provided, single submitter (1 of 4 stars). 2 submissions from 2 submitters: Benign (1). 1 of the submissions does not count toward it. Last evaluated 2026-02-01.

Conditions:
HELLS-related disorder. Also called: HELLS-related condition.

Allele frequency attached by ClinVar (database versions not stated): ESP Exome Variant Server 0.00023; gnomAD 0.00078 and 0.00099; TOPMed 0.00128; 1000 Genomes Project 30x 0.00593; 1000 Genomes Project 0.00639.
gnomAD v4.1: 935 of 1,568,154 alleles (0.06%); highest among the groups gnomAD compares: East Asian, 1.7%; 11 homozygotes.

Submissions (2):

Labcorp Genetics (formerly Invitae), Labcorp
Classification: Benign. Last evaluated: 2026-02-01. Review status: criteria provided, single submitter. Criteria: Invitae Variant Classification Sherloc (09022015). Collection method: clinical testing. Allele origin: germline.

PreventionGenetics, part of Exact Sciences
Classification: Benign for HELLS-related condition. Last evaluated: 2024-02-09. Review status: no assertion criteria provided. Collection method: clinical testing. Allele origin: germline. Not counted in ClinVar's aggregate classification.
Comment: This variant is classified as benign based on ACMG/AMP sequence variant interpretation guidelines (Richards et al. 2015 PMID: 25741868, with internal and published modifications).